The following is an entry in ClinVar:

ClinVar aggregate classification (germline): Benign/Likely benign. Review status: criteria provided, multiple submitters, no conflicts (2 of 4 stars). 4 submissions from 4 submitters: Benign (1); Likely benign (3). Last evaluated 2025-02-20.

Conditions:
Breast-ovarian cancer, familial, susceptibility to, 4. Identifiers: Orphanet 145, MedGen C3280345, MONDO:0013669, OMIM 614291.
Hereditary cancer-predisposing syndrome. Also called: Neoplastic Syndromes, Hereditary; Tumor predisposition; Hereditary Cancer Syndrome; Hereditary neoplastic syndrome. Identifiers: Orphanet 140162, MedGen C0027672, MeSH D009386, MONDO:0015356.

Allele frequency attached by ClinVar (database versions not stated): gnomAD exomes below 0.00001 and 0.00001; ExAC 0.00002.

Submissions (4):

Myriad Genetics, Inc.
Classification: Benign for Breast-ovarian cancer, familial, susceptibility to, 4. Last evaluated: 2025-02-20. Review status: criteria provided, single submitter. Criteria: Myriad Autosomal Dominant, Autosomal Recessive and X-Linked Classification Criteria (2023). Collection method: clinical testing. Allele origin: unknown.
Comment: This variant is considered benign. This variant is a silent/synonymous amino acid change and it is not expected to impact splicing.

Department of Pathology and Laboratory Medicine, Sinai Health System
Classification: Likely benign for Breast-ovarian cancer, familial, susceptibility to, 4. Last evaluated: 2025-02-10. Review status: criteria provided, single submitter. Criteria: ACMG Guidelines, 2015. Collection method: clinical testing. Allele origin: germline.

Labcorp Genetics (formerly Invitae), Labcorp
Classification: Likely benign for Breast-ovarian cancer, familial, susceptibility to, 4. Last evaluated: 2023-12-04. Review status: criteria provided, single submitter. Criteria: Invitae Variant Classification Sherloc (09022015). Collection method: clinical testing. Allele origin: germline.

Ambry Genetics
Classification: Likely benign for Hereditary cancer-predisposing syndrome. Last evaluated: 2017-05-15. Review status: criteria provided, single submitter. Criteria: Ambry Variant Classification Scheme 2023. Collection method: clinical testing. Allele origin: germline.

NM_002878.4(RAD51D):c.213C>T (p.Leu71=)

Genes: RAD51L3-RFFL (RAD51L3-RFFL readthrough; minus strand), RAD51D (RAD51 paralog D; minus strand). Cytogenetic location: 17q12.
Variant type: single nucleotide variant.
Coding change: c.213C>T on transcript NM_002878.4 (MANE Select); coding-DNA position 213, C replaced by T.
Protein change: p.Leu71=; no amino-acid change (leucine 71 retained).
Molecular consequence: synonymous variant. On other transcripts: intron variant (2).
Genome position (GRCh38, 1-based): chr17:35,118,551, G>A on the plus strand (C>T on the coding strand, the complement: RAD51D is on the minus strand). VCF-style: chr17-35118551-G-A. GRCh37 (hg19) VCF-style: chr17-33445570-G-A.
Other names: c.144+560C>T (NM_133629.3, NM_001142571.2).
Identifiers: ClinVar variation 482203 (VCV000482203.15), dbSNP rs745546403, ClinGen allele CA8499624.